The following is an entry in ClinVar:

ClinVar aggregate classification (germline): Uncertain significance. Review status: criteria provided, multiple submitters, no conflicts (2 of 4 stars). 2 submissions from 2 submitters: Uncertain significance (2). Last evaluated 2023-09-25.

Conditions:
Developmental and epileptic encephalopathy, 11 (DEE11). Also called: Early infantile epileptic encephalopathy 11. Identifiers: Orphanet 1934, MedGen C3150987, MONDO:0013388, OMIM 613721.
Seizures, benign familial infantile, 3 (BFIS3). Also called: Familial neonatal seizures; CONVULSIONS, BENIGN FAMILIAL INFANTILE, 3. Identifiers: Orphanet 140927, Orphanet 306, MedGen C1843140, MONDO:0011904, OMIM 607745.

Submissions (2):

3billion
Classification: Uncertain significance for Developmental and epileptic encephalopathy, 11. Last evaluated: 2023-09-25. Review status: criteria provided, single submitter. Criteria: ACMG Guidelines, 2015. Collection method: clinical testing. Allele origin: germline. Affected: yes.
Comment: The variant is not observed in the gnomAD v2.1.1 dataset. Predicted Consequence/Location: Missense variant In silico tool predictions suggest damaging effect of the variant on gene or gene product [REVEL: 0.95 (>=0.6, sensitivity 0.68 and specificity 0.92); 3Cnet: 0.95 (>=0.6, sensitivity 0.72 and precision 0.9)]. Different missense changes at the same codon (p.Met252Ile, p.Met252Val) have been reported to be associated with SCN2A related disorder (ClinVar ID: VCV000029889 /PMID: 20371507, 34894057). However the evidence of pathogenicity is insufficient at this time. Therefore, this variant is classified as VUS according to the recommendation of ACMG/AMP guideline.

Labcorp Genetics (formerly Invitae), Labcorp
Classification: Uncertain significance for Seizures, benign familial infantile, 3; Developmental and epileptic encephalopathy, 11. Last evaluated: 2023-08-05. Review status: criteria provided, single submitter. Criteria: Invitae Variant Classification Sherloc (09022015). Collection method: clinical testing. Allele origin: germline.
Comment: This sequence change replaces methionine, which is neutral and non-polar, with threonine, which is neutral and polar, at codon 252 of the SCN2A protein (p.Met252Thr). This variant is not present in population databases (gnomAD no frequency). This variant has not been reported in the literature in individuals affected with SCN2A-related conditions. ClinVar contains an entry for this variant (Variation ID: 1001564). Advanced modeling of protein sequence and biophysical properties (such as structural, functional, and spatial information, amino acid conservation, physicochemical variation, residue mobility, and thermodynamic stability) performed at Invitae indicates that this missense variant is expected to disrupt SCN2A protein function. This variant disrupts the p.Met252 amino acid residue in SCN2A. Other variant(s) that disrupt this residue have been observed in individuals with SCN2A-related conditions (PMID: 20371507, 34894057), which suggests that this may be a clinically significant amino acid residue. In summary, the available evidence is currently insufficient to determine the role of this variant in disease. Therefore, it has been classified as a Variant of Uncertain Significance.

Literature cited by the submitters: PubMed 20371507 (cited by 3billion and Labcorp Genetics (formerly Invitae), Labcorp); PubMed 34894057 (cited by Labcorp Genetics (formerly Invitae), Labcorp).

NM_001040142.2(SCN2A):c.755T>C (p.Met252Thr)

Gene: SCN2A (sodium voltage-gated channel alpha subunit 2; plus strand). Cytogenetic location: 2q24.3.
Variant type: single nucleotide variant.
Coding change: c.755T>C on transcript NM_001040142.2 (MANE Select); coding-DNA position 755, T replaced by C.
Protein change: p.Met252Thr; replaces methionine 252 with threonine.
Molecular consequence: missense variant.
Genome position (GRCh38, 1-based): chr2:165,310,380, T>C. VCF-style: chr2-165310380-T-C. GRCh37 (hg19) VCF-style: chr2-166166890-T-C.
Other names: c.755T>C, p.Met252Thr (NM_001040143.2, NM_001371246.1, NM_001371247.1 and 1 more transcripts); short protein forms M252T.
Identifiers: ClinVar variation 1001564 (VCV001001564.10), dbSNP rs1697363337, ClinGen allele CA349017959.